The following is an entry in ClinVar:

NM_000214.3(JAG1):c.420T>A (p.Asp140Glu)

Gene: JAG1 (jagged canonical Notch ligand 1; minus strand). Cytogenetic location: 20p12.2.
Variant type: single nucleotide variant.
Coding change: c.420T>A on transcript NM_000214.3 (MANE Select); coding-DNA position 420, T replaced by A.
Protein change: p.Asp140Glu; replaces aspartic acid 140 with glutamic acid.
Molecular consequence: missense variant.
Genome position (GRCh38, 1-based): chr20:10,663,982, A>T on the plus strand (T>A on the coding strand, the complement: JAG1 is on the minus strand). VCF-style: chr20-10663982-A-T. GRCh37 (hg19) VCF-style: chr20-10644630-A-T.
Other names: short protein forms D140E.
Identifiers: ClinVar variation 3573307 (VCV003573307.2).

Conditions:
Arteriohepatic dysplasia. Also called: Alagille Syndrome. Identifiers: Orphanet 52, MedGen C0085280, MeSH D016738, MONDO:0007318.

Submission:

Gilbert/Spinner Lab, Children's Hospital of Philadelphia
No classification provided (evidence only). Condition: Alagille syndrome. Review status: no classification provided. Collection method: research. Allele origin: not applicable. Functional consequence: functionally_abnormal.
ClinVar note: "not provided" was previously submitted as the classification for the variant. However, the classification appeared to be based only on an observation of functional data so it was converted to no classification on 2025-07-30.